The following is an entry in ClinVar:

ClinVar aggregate classification (germline): Pathogenic (1 of 4 stars; one submission).

Submission:

Labcorp Genetics (formerly Invitae), Labcorp
Classification: Pathogenic. Last evaluated: 2023-02-03. Review status: criteria provided, single submitter. Criteria: Invitae Variant Classification Sherloc (09022015). Collection method: clinical testing. Allele origin: germline.
Comment: This sequence change creates a premature translational stop signal (p.Asn312Lysfs*14) in the GRHPR gene. While this is not anticipated to result in nonsense mediated decay, it is expected to disrupt the last 17 amino acid(s) of the GRHPR protein. This variant is not present in population databases (gnomAD no frequency). This variant has not been reported in the literature in individuals affected with GRHPR-related conditions. This variant disrupts a region of the GRHPR protein in which other variant(s) (p.Met322Arg) have been determined to be pathogenic (PMID: 11030416; Invitae). This suggests that this is a clinically significant region of the protein, and that variants that disrupt it are likely to be disease-causing. For these reasons, this variant has been classified as Pathogenic.

Literature cited by the submitters: PubMed 11030416.

NM_012203.2(GRHPR):c.932_935dup (p.Asn312fs)

Gene: GRHPR (glyoxylate and hydroxypyruvate reductase; plus strand). Cytogenetic location: 9p13.2.
Variant type: Duplication.
Coding change: c.932_935dup on transcript NM_012203.2 (MANE Select); coding-DNA positions 932 to 935, 4 bases duplicated (ACAA; older notation c.932_935dupACAA).
Protein change: p.Asn312fs; shifts the reading frame from asparagine 312.
Molecular consequence: frameshift variant.
Genome position (GRCh38, 1-based): chr9:37,436,727-37,436,730, ACAA duplicated; duplicating any 4 consecutive bases within chr9:37,436,726-37,436,730 gives the same sequence; the c. name uses the placement nearest the transcript's 3' end. VCF-style (leftmost placement, unchanged base first): chr9-37436725-T-TAACA. GRCh37 (hg19) VCF-style: chr9-37436722-T-TAACA.
Other names: short protein forms N312fs.
Identifiers: ClinVar variation 2173845 (VCV002173845.5), dbSNP rs1823678428, ClinGen allele CA1846885756.